The following is an entry in ClinVar:

NM_014423.4(AFF4):c.2257C>G (p.Gln753Glu)

Gene: AFF4 (ALF transcription elongation factor 4; minus strand). Cytogenetic location: 5q31.1.
Variant type: single nucleotide variant.
Coding change: c.2257C>G on transcript NM_014423.4 (MANE Select); coding-DNA position 2257, C replaced by G.
Protein change: p.Gln753Glu; replaces glutamine 753 with glutamic acid.
Molecular consequence: missense variant.
Genome position (GRCh38, 1-based): chr5:132,896,373, G>C on the plus strand (C>G on the coding strand, the complement: AFF4 is on the minus strand). VCF-style: chr5-132896373-G-C. GRCh37 (hg19) VCF-style: chr5-132232065-G-C.
Other names: short protein forms Q753E.
Identifiers: ClinVar variation 1941620 (VCV001941620.5), dbSNP rs762711547, ClinGen allele CA3408980.

ClinVar aggregate classification (germline): Uncertain significance (1 of 4 stars; one submission).

Conditions:
Cognitive impairment - coarse facies - heart defects - obesity - pulmonary involvement - short stature - skeletal dysplasia syndrome. Also called: AFF4-Related CHOPS Syndrome; COGNITIVE IMPAIRMENT, COARSE FACIES, HEART DEFECTS, OBESITY, PULMONARY INVOLVEMENT, SHORT STATURE, AND SKELETAL DYSPLASIA; Chops syndrome. Identifiers: Orphanet 444077, MedGen C4085597, MONDO:0014609, OMIM 616368.

Allele frequency attached by ClinVar (database versions not stated): TOPMed below 0.00001; gnomAD 0.00001; gnomAD exomes 0.00001; ExAC 0.00002.
gnomAD v4.1: 15 of 1,608,168 alleles (0.00093%); highest among the groups gnomAD compares: South Asian, 0.013%; 1 homozygote.

Submission:

Labcorp Genetics (formerly Invitae), Labcorp
Classification: Uncertain significance for Cognitive impairment - coarse facies - heart defects - obesity - pulmonary involvement - short stature - skeletal dysplasia syndrome. Last evaluated: 2024-11-18. Review status: criteria provided, single submitter. Criteria: Invitae Variant Classification Sherloc (09022015). Collection method: clinical testing. Allele origin: germline.
Comment: This sequence change replaces glutamine, which is neutral and polar, with glutamic acid, which is acidic and polar, at codon 753 of the AFF4 protein (p.Gln753Glu). This variant is present in population databases (rs762711547, gnomAD 0.007%). This variant has not been reported in the literature in individuals affected with AFF4-related conditions. ClinVar contains an entry for this variant (Variation ID: 1941620). Invitae Evidence Modeling of protein sequence and biophysical properties (such as structural, functional, and spatial information, amino acid conservation, physicochemical variation, residue mobility, and thermodynamic stability) indicates that this missense variant is not expected to disrupt AFF4 protein function with a negative predictive value of 80%. In summary, the available evidence is currently insufficient to determine the role of this variant in disease. Therefore, it has been classified as a Variant of Uncertain Significance.